The following is an entry in ClinVar:

ClinVar aggregate classification (germline): Uncertain significance (1 of 4 stars; one submission).

Submission:

CeGaT Center for Human Genetics Tuebingen
Classification: Uncertain significance. Last evaluated: 2026-07-01. Review status: criteria provided, single submitter. Criteria: CeGaT Center For Human Genetics Tuebingen Variant Classification Criteria Version 2. Collection method: clinical testing. Allele origin: germline. Affected: yes. Observed: 1 variant allele.
Comment: SRCAP: PM2, BP4

NM_006662.3(SRCAP):c.7552A>G (p.Thr2518Ala)

Gene: SRCAP (Snf2 related CREBBP activator protein; plus strand). Cytogenetic location: 16p11.2.
Variant type: single nucleotide variant.
Coding change: c.7552A>G on transcript NM_006662.3 (MANE Select); coding-DNA position 7552, A replaced by G.
Protein change: p.Thr2518Ala; replaces threonine 2518 with alanine.
Molecular consequence: missense variant.
Genome position (GRCh38, 1-based): chr16:30,737,592, A>G. VCF-style: chr16-30737592-A-G. GRCh37 (hg19) VCF-style: chr16-30748913-A-G.
Other names: short protein forms T2518A.
Identifiers: ClinVar variation 5040054 (VCV005040054.1).